The following is an entry in ClinVar:

ClinVar aggregate classification (germline): Uncertain significance (1 of 4 stars; one submission).

Conditions:
Childhood onset sensorineural hearing impairment. Identifiers: MedGen C4023340, HP:0011474.

Submission:

Clinical Genetics Laboratory, Skane University Hospital Lund
Classification: Uncertain significance for Childhood onset sensorineural hearing impairment. Last evaluated: 2026-03-09. Review status: criteria provided, single submitter. Criteria: ACMG Guidelines, 2015. Collection method: clinical testing. Allele origin: germline. Inheritance: Autosomal recessive inheritance. Affected: yes.
Comment: ACMG criteria used: PM2, PP3

NM_001851.6(COL9A1):c.2459G>T (p.Gly820Val)

Gene: COL9A1 (collagen type IX alpha 1 chain; minus strand). Cytogenetic location: 6q13.
Variant type: single nucleotide variant.
Coding change: c.2459G>T on transcript NM_001851.6 (MANE Select); coding-DNA position 2459, G replaced by T.
Protein change: p.Gly820Val; replaces glycine 820 with valine.
Molecular consequence: missense variant. On other transcripts: non-coding transcript variant (1).
Genome position (GRCh38, 1-based): chr6:70,232,627, C>A on the plus strand (G>T on the coding strand, the complement: COL9A1 is on the minus strand). VCF-style: chr6-70232627-C-A. GRCh37 (hg19) VCF-style: chr6-70942330-C-A.
Other names: c.1760G>T, p.Gly587Val (NM_001377289.1); c.1583G>T, p.Gly528Val (NM_001377290.1); c.1730G>T, p.Gly577Val (NM_078485.4); short protein forms G528V, G577V, G587V, G820V.
Identifiers: ClinVar variation 4813222 (VCV004813222.1).